The following is an entry in ClinVar:

NM_001037333.3(CYFIP2):c.418G>T (p.Val140Leu)

Gene: CYFIP2 (cytoplasmic FMR1 interacting protein 2; plus strand). Cytogenetic location: 5q33.3.
Variant type: single nucleotide variant.
Coding change: c.418G>T on transcript NM_001037333.3 (MANE Select); coding-DNA position 418, G replaced by T.
Protein change: p.Val140Leu; replaces valine 140 with leucine.
Molecular consequence: missense variant.
Genome position (GRCh38, 1-based): chr5:157,300,745, G>T. VCF-style: chr5-157300745-G-T. GRCh37 (hg19) VCF-style: chr5-156727753-G-T.
Other names: c.340G>T, p.Val114Leu (NM_001291721.2); c.418G>T, p.Val140Leu (NM_001291722.2, NM_014376.4); short protein forms V140L, V114L.
Identifiers: ClinVar variation 1434721 (VCV001434721.8), dbSNP rs780027307, ClinGen allele CA361966288.

ClinVar aggregate classification (germline): Uncertain significance (1 of 4 stars; one submission).

Submission:

Labcorp Genetics (formerly Invitae), Labcorp
Classification: Uncertain significance. Last evaluated: 2022-02-10. Review status: criteria provided, single submitter. Criteria: Invitae Variant Classification Sherloc (09022015). Collection method: clinical testing. Allele origin: germline.
Comment: This variant is not present in population databases (gnomAD no frequency). In summary, the available evidence is currently insufficient to determine the role of this variant in disease. Therefore, it has been classified as a Variant of Uncertain Significance. Algorithms developed to predict the effect of missense changes on protein structure and function are either unavailable or do not agree on the potential impact of this missense change (SIFT: "Deleterious"; PolyPhen-2: "Not Available"; Align-GVGD: "Class C0"). This variant has not been reported in the literature in individuals affected with CYFIP2-related conditions. This sequence change replaces valine, which is neutral and non-polar, with leucine, which is neutral and non-polar, at codon 140 of the CYFIP2 protein (p.Val140Leu).